The following is an entry in ClinVar:

NM_000023.4(SGCA):c.430G>A (p.Asp144Asn)

Gene: SGCA (sarcoglycan alpha; plus strand). Cytogenetic location: 17q21.33.
Variant type: single nucleotide variant.
Coding change: c.430G>A on transcript NM_000023.4 (MANE Select); coding-DNA position 430, G replaced by A.
Protein change: p.Asp144Asn; replaces aspartic acid 144 with asparagine.
Molecular consequence: missense variant. On other transcripts: non-coding transcript variant (1).
Genome position (GRCh38, 1-based): chr17:50,168,418, G>A. VCF-style: chr17-50168418-G-A. GRCh37 (hg19) VCF-style: chr17-48245779-G-A.
Other names: c.430G>A, p.Asp144Asn (NM_001135697.3); short protein forms D144N.
Identifiers: ClinVar variation 546801 (VCV000546801.52), dbSNP rs771485989, ClinGen allele CA8643801.
Genomic context (GRCh38, chr17:50,168,418, plus strand): 5'-CACCTGGCCTTCCCAGGCCCCCTGCTGCCATACCAAGCCGAGTTCCTGGTGCGCAGCCAC[G>A]ATGCGGAGGAGGTGCTGCCCTCAACACCTGCCAGCCGCTTCCTCTCAGCCTTGGGGGGAC-3'
Protein context (NP_000014.1, residues 134-154): YQAEFLVRSH[Asp144Asn]AEEVLPSTPA

ClinVar aggregate classification (germline): Uncertain significance. Review status: criteria provided, multiple submitters, no conflicts (2 of 4 stars). 6 submissions from 6 submitters: Uncertain significance (5). 1 of the submissions does not count toward it. Last evaluated 2023-02-08.

Conditions:
Autosomal recessive limb-girdle muscular dystrophy type 2D (LGMDR3). Also called: DUCHENNE-LIKE AUTOSOMAL RECESSIVE MUSCULAR DYSTROPHY, TYPE 2; MUSCULAR DYSTROPHY, LIMB-GIRDLE, AUTOSOMAL RECESSIVE 3; ADHALINOPATHY, PRIMARY. Identifiers: Orphanet 62, MedGen C2936332, MONDO:0011968, OMIM 608099. Disease mechanism: Affects gamma-sarcoglycan and also disrupts the integrity of the entire sarcoglycan complex..

Allele frequency attached by ClinVar (database versions not stated): TOPMed below 0.00001; gnomAD 0.00001; gnomAD exomes 0.00002 and 0.00003; ExAC 0.00012.

Submissions (6):

Genome-Nilou Lab
Classification: Uncertain significance for Autosomal recessive limb-girdle muscular dystrophy type 2D. Last evaluated: 2023-02-08. Review status: criteria provided, single submitter. Criteria: ACMG Guidelines, 2015. Collection method: clinical testing. Allele origin: germline.

Labcorp Genetics (formerly Invitae), Labcorp
Classification: Uncertain significance for Autosomal recessive limb-girdle muscular dystrophy type 2D. Last evaluated: 2022-07-19. Review status: criteria provided, single submitter. Criteria: Invitae Variant Classification Sherloc (09022015). Collection method: clinical testing. Allele origin: germline.
Comment: This sequence change replaces aspartic acid, which is acidic and polar, with asparagine, which is neutral and polar, at codon 144 of the SGCA protein (p.Asp144Asn). This variant is present in population databases (rs771485989, gnomAD 0.02%). This variant has not been reported in the literature in individuals affected with SGCA-related conditions. ClinVar contains an entry for this variant (Variation ID: 546801). Algorithms developed to predict the effect of missense changes on protein structure and function (SIFT, PolyPhen-2, Align-GVGD) all suggest that this variant is likely to be tolerated. In summary, the available evidence is currently insufficient to determine the role of this variant in disease. Therefore, it has been classified as a Variant of Uncertain Significance.

Revvity Omics, Revvity
Classification: Uncertain significance for Autosomal recessive limb-girdle muscular dystrophy type 2D. Last evaluated: 2019-03-03. Review status: criteria provided, single submitter. Criteria: ACMG Guidelines, 2015. Collection method: clinical testing. Allele origin: germline.

CeGaT Center for Human Genetics Tuebingen
Classification: Uncertain significance. Last evaluated: 2018-02-01. Review status: criteria provided, single submitter. Criteria: CeGaT Center For Human Genetics Tuebingen Variant Classification Criteria Version 2. Collection method: clinical testing. Allele origin: germline. Affected: yes. Observed: 1 variant allele.

Breakthrough Genomics
Classification: Uncertain significance. Review status: criteria provided, single submitter. Criteria: ACMG Guidelines, 2015. Collection method: not provided. Allele origin: germline. Inheritance: Autosomal recessive inheritance. Affected: yes.

Natera, Inc.
Classification: Uncertain significance for Limb-girdle muscular dystrophy type 2D. Last evaluated: 2019-11-11. Review status: no assertion criteria provided. Collection method: clinical testing. Allele origin: germline. Not counted in ClinVar's aggregate classification.